The following is an entry in ClinVar:

NM_003126.4(SPTA1):c.3160A>T (p.Thr1054Ser)

Gene: SPTA1 (spectrin alpha, erythrocytic 1; minus strand). Cytogenetic location: 1q23.1.
Variant type: single nucleotide variant.
Coding change: c.3160A>T on transcript NM_003126.4 (MANE Select); coding-DNA position 3160, A replaced by T.
Protein change: p.Thr1054Ser; replaces threonine 1054 with serine.
Molecular consequence: missense variant.
Genome position (GRCh38, 1-based): chr1:158,653,302, T>A on the plus strand (A>T on the coding strand, the complement: SPTA1 is on the minus strand). VCF-style: chr1-158653302-T-A. GRCh37 (hg19) VCF-style: chr1-158623092-T-A.
Other names: short protein forms T1054S.
Identifiers: ClinVar variation 293001 (VCV000293001.26), dbSNP rs145054175, ClinGen allele CA1183157.

ClinVar aggregate classification (germline): Conflicting classifications of pathogenicity. Review status: criteria provided, conflicting classifications (1 of 4 stars). 7 submissions from 5 submitters: Uncertain significance (2); Benign (1); Likely benign (4). Last evaluated 2025-12-21.

Conditions:
Hereditary spherocytosis type 3. Also called: Spherocytosis type 3; SPTA1-Related Spherocytosis. Identifiers: Orphanet 822, MedGen C2678338, MONDO:0010053, OMIM 270970.
Elliptocytosis 2 (EL2). Also called: ELLIPTOCYTOSIS, RHESUS-UNLINKED TYPE. Identifiers: Orphanet 288, MedGen C1851741, MONDO:0007533, OMIM 130600.
Pyropoikilocytosis, hereditary. Also called: Pyropoikilocytosis. Identifiers: MedGen C0520739, MONDO:0009948, OMIM 266140, HP:0004839. Disease mechanism: loss of function.

Allele frequency attached by ClinVar (database versions not stated): gnomAD exomes 0.00042 and 0.00110; ExAC 0.00138; gnomAD 0.00421 and 0.00453; ESP Exome Variant Server 0.00455; TOPMed 0.00486; 1000 Genomes Project 0.00499; 1000 Genomes Project 30x 0.00562.

Submissions (7):

Labcorp Genetics (formerly Invitae), Labcorp
Classification: Benign. Last evaluated: 2025-12-21. Review status: criteria provided, single submitter. Criteria: Invitae Variant Classification Sherloc (09022015). Collection method: clinical testing. Allele origin: germline.

ARUP Laboratories, Molecular Genetics and Genomics, ARUP Laboratories
Classification: Likely benign. Last evaluated: 2025-07-24. Review status: criteria provided, single submitter. Criteria: ARUP Molecular Germline Variant Investigation Process 2024. Collection method: clinical testing. Allele origin: germline.

Mayo Clinic Laboratories, Mayo Clinic
Classification: Likely benign. Last evaluated: 2025-04-23. Review status: criteria provided, single submitter. Criteria: ACMG Guidelines, 2015. Collection method: clinical testing. Allele origin: germline. Observed: 2 variant alleles.
Comment: BS1, BS2, BP4

Blueprint Genetics
Classification: Likely benign. Last evaluated: 2024-10-09. Review status: criteria provided, single submitter. Criteria: ACMG Guidelines, 2015. Collection method: clinical testing. Allele origin: germline.

Illumina Laboratory Services, Illumina
Classification: Uncertain significance for Hereditary spherocytosis type 3. Last evaluated: 2018-01-12. Review status: criteria provided, single submitter. Criteria: ICSL Variant Classification Criteria 13 December 2019. Collection method: clinical testing. Allele origin: germline.

Illumina Laboratory Services, Illumina
Classification: Uncertain significance for Pyropoikilocytosis, hereditary. Last evaluated: 2018-01-12. Review status: criteria provided, single submitter. Criteria: ICSL Variant Classification Criteria 13 December 2019. Collection method: clinical testing. Allele origin: germline.

Illumina Laboratory Services, Illumina
Classification: Likely benign for Elliptocytosis 2. Last evaluated: 2018-01-12. Review status: criteria provided, single submitter. Criteria: ICSL Variant Classification Criteria 13 December 2019. Collection method: clinical testing. Allele origin: germline.
Comment: This variant was observed in the ICSL laboratory as part of a predisposition screen in an ostensibly healthy population. It had not been previously curated by ICSL or reported in the Human Gene Mutation Database (HGMD: prior to June 1st, 2018), and was therefore a candidate for classification through an automated scoring system. Utilizing variant allele frequency, disease prevalence and penetrance estimates, and inheritance mode, an automated score was calculated to assess if this variant is too frequent to cause the disease. Based on the score and internal cut-off values, a variant classified as likely benign is not then subjected to further curation. The score for this variant resulted in a classification of likely benign for this disease.